The following is an entry in ClinVar:

NM_001127671.2(LIFR):c.883dup (p.Glu295fs)

Gene: LIFR (LIF receptor subunit alpha; minus strand). Cytogenetic location: 5p13.1.
Variant type: Duplication.
Coding change: c.883dup on transcript NM_001127671.2 (MANE Select); coding-DNA position 883, one base duplicated (G; older notation c.883dupG).
Protein change: p.Glu295fs; shifts the reading frame from glutamic acid 295.
Molecular consequence: frameshift variant.
Genome position (GRCh38, 1-based): chr5:38,510,572, C duplicated on the plus strand (G on the coding strand, the reverse complement: LIFR is on the minus strand); the first of 4 consecutive C bases (chr5:38,510,572-38,510,575); duplicating any one gives the same sequence. VCF-style (leftmost placement, unchanged base first): chr5-38510571-T-TC. GRCh37 (hg19) VCF-style: chr5-38510673-T-TC.
Other names: c.883dup, p.Glu295fs (NM_001364297.2, NM_001364298.2, NM_002310.6); short protein forms E295fs.
Identifiers: ClinVar variation 1948071 (VCV001948071.5), dbSNP rs986448088, ClinGen allele CA117162307.

ClinVar aggregate classification (germline): Pathogenic (1 of 4 stars; one submission).

Submission:

Labcorp Genetics (formerly Invitae), Labcorp
Classification: Pathogenic. Last evaluated: 2022-09-22. Review status: criteria provided, single submitter. Criteria: Invitae Variant Classification Sherloc (09022015). Collection method: clinical testing. Allele origin: germline.
Comment: This variant is present in population databases (no rsID available, gnomAD 0.0009%). This variant has not been reported in the literature in individuals affected with LIFR-related conditions. For these reasons, this variant has been classified as Pathogenic. This sequence change creates a premature translational stop signal (p.Glu295Glyfs*9) in the LIFR gene. It is expected to result in an absent or disrupted protein product. Loss-of-function variants in LIFR are known to be pathogenic (PMID: 14740318).

Literature cited by the submitters: PubMed 14740318.